The following is an entry in ClinVar:

ClinVar aggregate classification (germline): Pathogenic/Likely pathogenic. Review status: criteria provided, multiple submitters, no conflicts (2 of 4 stars). 2 submissions from 2 submitters: Pathogenic (1); Likely pathogenic (1). Last evaluated 2023-04-26.

Conditions:
Hereditary cancer-predisposing syndrome. Also called: Neoplastic Syndromes, Hereditary; Tumor predisposition; Hereditary neoplastic syndrome; Hereditary Cancer Syndrome. Identifiers: Orphanet 140162, MedGen C0027672, MeSH D009386, MONDO:0015356.
Familial adenomatous polyposis 1 (FAP1). Also called: POLYPOSIS, ADENOMATOUS INTESTINAL; FAMILIAL ADENOMATOUS POLYPOSIS 1, ATTENUATED. Identifiers: MedGen C2713442, MONDO:0021056, OMIM 175100. Disease mechanism: loss of function.

Submissions (2):

Myriad Genetics, Inc.
Classification: Likely pathogenic for Familial adenomatous polyposis 1. Last evaluated: 2023-04-26. Review status: criteria provided, single submitter. Criteria: Myriad Autosomal Dominant, Autosomal Recessive and X-Linked Classification Criteria (2023). Collection method: clinical testing. Allele origin: unknown.
Comment: This variant is considered likely pathogenic. This variant occurs within a consensus splice junction and is predicted to result in abnormal mRNA splicing of either an out-of-frame exon or an in-frame exon necessary for protein stability and/or normal function.

Ambry Genetics
Classification: Pathogenic for Hereditary cancer-predisposing syndrome. Last evaluated: 2019-11-11. Review status: criteria provided, single submitter. Criteria: Ambry Variant Classification Scheme 2023. Collection method: clinical testing. Allele origin: germline.
Comment: The c.423-3_456del37 pathogenic mutation, which spans intron 3 through coding exon 4 of the APC gene, results from a deletion of 37 nucleotides at positions 423-3 to 456 including the canonical acceptor site. This alteration is expected to result in loss of function due to an abnormal transcript, a translational frameshift leading to premature truncation, or nonsense-mediated mRNA decay. As such, this alteration is interpreted as a disease-causing mutation.

NM_000038.6(APC):c.423-3_456del

Gene: APC (APC regulator of Wnt signaling pathway; plus strand). Cytogenetic location: 5q22.2.
Variant type: Deletion.
Coding change: c.423-3_456del on transcript NM_000038.6 (MANE Select); 3 bases into the intron before coding-DNA position 423 through coding-DNA position 456, 37 bases deleted.
Molecular consequence: splice acceptor variant.
Genome position (GRCh38, 1-based): chr5:112,775,626-112,775,662, 37 bases deleted; deleting any 37 consecutive bases within chr5:112,775,624-112,775,662 gives the same sequence; the c. name uses the placement nearest the transcript's 3' end. GRCh37 (hg19): chr5:112,111,323-112,111,359.
Other names: c.423-3_456del (NM_001354895.2, NM_001127510.3, NM_001354896.2 and 2 more transcripts); c.453-3_486del (NM_001354897.2, NM_001354902.2, NM_001127511.3); c.348-3_381del (NM_001354898.2, NM_001354904.2); c.-613-3_-580del (NM_001354906.2); c.246-3_279del (NM_001354900.2, NM_001354901.2, NM_001354905.2).
Identifiers: ClinVar variation 824702 (VCV000824702.6), dbSNP rs1580358296, ClinGen allele CA915943444.